The following is an entry in ClinVar:

NM_018116.4(MSTO1):c.460C>T (p.Leu154Phe)

Gene: MSTO1 (misato mitochondrial distribution and morphology regulator 1; plus strand). Cytogenetic location: 1q22.
Variant type: single nucleotide variant.
Coding change: c.460C>T on transcript NM_018116.4 (MANE Select); coding-DNA position 460, C replaced by T.
Protein change: p.Leu154Phe; replaces leucine 154 with phenylalanine.
Molecular consequence: missense variant. On other transcripts: 5 prime UTR variant (13), non-coding transcript variant (5).
Genome position (GRCh38, 1-based): chr1:155,611,727, C>T. VCF-style: chr1-155611727-C-T. GRCh37 (hg19) VCF-style: chr1-155581518-C-T.
Other names: c.460C>T, p.Leu154Phe (NM_001256532.1, NM_001256533.1, NM_001350772.1 and 3 more transcripts); c.295C>T, p.Leu99Phe (NM_001350776.1); c.-97C>T (NM_001350777.1, NM_001350778.1, NM_001350779.1); c.-75C>T (NM_001350780.1, NM_001350781.1, NM_001350782.1 and 3 more transcripts); c.-146C>T (NM_001350784.1, NM_001350785.1, NM_001350787.1 and 1 more transcripts); short protein forms L154F, L99F.
Identifiers: ClinVar variation 4881698 (VCV004881698.2).
Genomic context (GRCh38, chr1:155,611,727, plus strand): 5'-CATTTCCTCTGCTTGTCTTCAGGTTCCTCACCACTCCCCACCGCTACAACTCCAAAACCA[C>T]TTATCCCTACAGAGGCCAGCATCAGGGTCTGGTCAGACTTCCTCAGAGTCCATCTCCATC-3'
Protein context (NP_060586.2, residues 144-164): PLPTATTPKP[Leu154Phe]IPTEASIRVW

ClinVar aggregate classification (germline): Uncertain significance (1 of 4 stars; one submission).

Submission:

Dasa
Classification: Uncertain significance. Last evaluated: 2025-01-25. Review status: criteria provided, single submitter. Criteria: DASA Assertion Criteria. Collection method: clinical testing. Allele origin: germline.
Comment: NM_018116.4(MSTO1):c.460C>T (p.Leu154Phe) is a missense variant that results in the substitution of leucine with phenylalanine. This variant is absent from population databases. Computational prediction algorithms are consistent with a benign effect. The currently available literature and clinical evidence are not sufficient to establish a definitive association between this variant and the reported condition. Therefore, this variant is classified as a variant of uncertain significance.